The following is an entry in ClinVar:

ClinVar aggregate classification (germline): Uncertain significance. Review status: criteria provided, multiple submitters, no conflicts (2 of 4 stars). 2 submissions from 2 submitters: Uncertain significance (2). Last evaluated 2025-06-14.

Conditions:
Inborn genetic diseases. Identifiers: MedGen C0950123, MeSH D030342.

Allele frequency attached by ClinVar (database versions not stated): ExAC 0.00001; gnomAD exomes 0.00001 and 0.00002; TOPMed 0.00002; gnomAD 0.00003 and 0.00004.
gnomAD v4.1: 33 of 1,613,346 alleles (0.002%); highest among the groups gnomAD compares: African/African-American, 0.0094%; no homozygotes.

Submissions (2):

Labcorp Genetics (formerly Invitae), Labcorp
Classification: Uncertain significance. Last evaluated: 2025-06-14. Review status: criteria provided, single submitter. Criteria: Invitae Variant Classification Sherloc (09022015). Collection method: clinical testing. Allele origin: germline.
Comment: This sequence change replaces arginine, which is basic and polar, with glutamine, which is neutral and polar, at codon 61 of the ATP1A1 protein (p.Arg61Gln). This variant is present in population databases (rs755576753, gnomAD 0.007%). This variant has not been reported in the literature in individuals affected with ATP1A1-related conditions. ClinVar contains an entry for this variant (Variation ID: 1487152). Invitae Evidence Modeling of protein sequence and biophysical properties (such as structural, functional, and spatial information, amino acid conservation, physicochemical variation, residue mobility, and thermodynamic stability) indicates that this missense variant is not expected to disrupt ATP1A1 protein function with a negative predictive value of 95%. In summary, the available evidence is currently insufficient to determine the role of this variant in disease. Therefore, it has been classified as a Variant of Uncertain Significance.

Ambry Genetics
Classification: Uncertain significance for Inborn genetic diseases. Last evaluated: 2023-05-17. Review status: criteria provided, single submitter. Criteria: Ambry Variant Classification Scheme 2023. Collection method: clinical testing. Allele origin: germline.

NM_000701.8(ATP1A1):c.182G>A (p.Arg61Gln)

Gene: ATP1A1 (ATPase Na+/K+ transporting subunit alpha 1; plus strand). Cytogenetic location: 1p13.1.
Variant type: single nucleotide variant.
Coding change: c.182G>A on transcript NM_000701.8 (MANE Select); coding-DNA position 182, G replaced by A.
Protein change: p.Arg61Gln; replaces arginine 61 with glutamine.
Molecular consequence: missense variant.
Genome position (GRCh38, 1-based): chr1:116,384,841, G>A. VCF-style: chr1-116384841-G-A. GRCh37 (hg19) VCF-style: chr1-116927463-G-A.
Other names: c.182G>A (NM_001160233.1); c.182G>A, p.Arg61Gln (NM_001160233.2); c.89G>A, p.Arg30Gln (NM_001160234.2); short protein forms R30Q, R61Q.
Identifiers: ClinVar variation 1487152 (VCV001487152.8), dbSNP rs755576753, ClinGen allele CA1025034.